The following is an entry in ClinVar:

ClinVar aggregate classification (germline): Uncertain significance. Review status: criteria provided, multiple submitters, no conflicts (2 of 4 stars). 2 submissions from 2 submitters: Uncertain significance (2). Last evaluated 2024-12-23.

Conditions:
Inborn genetic diseases. Identifiers: MedGen C0950123, MeSH D030342.

Allele frequency attached by ClinVar (database versions not stated): TOPMed below 0.00001; ExAC 0.00002; gnomAD exomes 0.00002 and 0.00004.
gnomAD v4.1: 12 of 1,614,152 alleles (0.00074%); highest among the groups gnomAD compares: Admixed American, 0.018%; no homozygotes.

Submissions (2):

Labcorp Genetics (formerly Invitae), Labcorp
Classification: Uncertain significance. Last evaluated: 2024-12-23. Review status: criteria provided, single submitter. Criteria: Invitae Variant Classification Sherloc (09022015). Collection method: clinical testing. Allele origin: germline.
Comment: This sequence change replaces serine, which is neutral and polar, with leucine, which is neutral and non-polar, at codon 437 of the DDX58 protein (p.Ser437Leu). This variant is present in population databases (rs747694771, gnomAD 0.02%). This variant has not been reported in the literature in individuals affected with DDX58-related conditions. ClinVar contains an entry for this variant (Variation ID: 1483200). Invitae Evidence Modeling of protein sequence and biophysical properties (such as structural, functional, and spatial information, amino acid conservation, physicochemical variation, residue mobility, and thermodynamic stability) indicates that this missense variant is not expected to disrupt DDX58 protein function with a negative predictive value of 80%. In summary, the available evidence is currently insufficient to determine the role of this variant in disease. Therefore, it has been classified as a Variant of Uncertain Significance.

Ambry Genetics
Classification: Uncertain significance for Inborn genetic diseases. Last evaluated: 2022-01-26. Review status: criteria provided, single submitter. Criteria: Ambry Variant Classification Scheme 2023. Collection method: clinical testing. Allele origin: germline.

NM_014314.4(RIGI):c.1310C>T (p.Ser437Leu)

Gene: RIGI (RNA sensor RIG-I; minus strand). Cytogenetic location: 9p21.1.
Variant type: single nucleotide variant.
Coding change: c.1310C>T on transcript NM_014314.4 (MANE Select); coding-DNA position 1310, C replaced by T.
Protein change: p.Ser437Leu; replaces serine 437 with leucine.
Molecular consequence: missense variant.
Genome position (GRCh38, 1-based): chr9:32,487,536, G>A on the plus strand (C>T on the coding strand, the complement: RIGI is on the minus strand). VCF-style: chr9-32487536-G-A. GRCh37 (hg19) VCF-style: chr9-32487534-G-A.
Other names: c.1310C>T (NM_014314.3); c.1304C>T, p.Ser435Leu (NM_001385907.1); c.1310C>T, p.Ser437Leu (NM_001385909.1); c.869C>T, p.Ser290Leu (NM_001385910.1); c.701C>T, p.Ser234Leu (NM_001385912.1); c.1295C>T, p.Ser432Leu (NM_001385913.1); c.866C>T, p.Ser289Leu (NM_001385914.1); short protein forms S290L, S437L, S234L, S432L, S435L, S289L.
Identifiers: ClinVar variation 1483200 (VCV001483200.7), dbSNP rs747694771, ClinGen allele CA5019869.